The following is an entry in ClinVar:

ClinVar aggregate classification (germline): Benign/Likely benign. Review status: criteria provided, multiple submitters, no conflicts (2 of 4 stars). 5 submissions from 5 submitters: Benign (1); Likely benign (4). Last evaluated 2026-01-12.

Conditions:
Familial thoracic aortic aneurysm and aortic dissection (TAAD). Also called: Thoracic aortic aneurysms and dissections. Identifiers: Orphanet 91387, MedGen C4707243, MONDO:0019625.
Loeys-Dietz syndrome 2 (LDS2). Also called: TGFBR2-Related Loeys-Dietz Syndrome; Marfan Syndrome type 2; Marfan like connective tissue disorder; MFS 2; Marfan syndrome, type 2 (formerly); AORTIC ANEURYSM, FAMILIAL THORACIC 3. Identifiers: Orphanet 284973, Orphanet 558, MedGen C2674574, MONDO:0012427, OMIM 610168.

Allele frequency attached by ClinVar (database versions not stated): gnomAD 0.00001; TOPMed 0.00001; gnomAD exomes 0.00004; ExAC 0.00007.
gnomAD v4.1: 118 of 1,609,254 alleles (0.0073%); highest among the groups gnomAD compares: South Asian, 0.017%; 1 homozygote.

Submissions (5):

Labcorp Genetics (formerly Invitae), Labcorp
Classification: Likely benign for Familial thoracic aortic aneurysm and aortic dissection. Last evaluated: 2026-01-12. Review status: criteria provided, single submitter. Criteria: Invitae Variant Classification Sherloc (09022015). Collection method: clinical testing. Allele origin: germline.

All of Us Research Program, National Institutes of Health
Classification: Likely benign for Loeys-Dietz syndrome 2. Last evaluated: 2024-01-11. Review status: criteria provided, single submitter. Criteria: ACMG Guidelines, 2015. Collection method: clinical testing. Allele origin: germline. Inheritance: Autosomal dominant inheritance. Observed: 6 variant alleles, 6 heterozygotes.
Comment: This study involves interpretation of variants in research participants for the purpose of population health screening. Participant phenotype was not available at the time of variant classification. Additional details can be found in publication PMID: 35346344, PMCID: PMC8962531

Color Diagnostics, LLC DBA Color Health
Classification: Likely benign for Familial thoracic aortic aneurysm and aortic dissection. Last evaluated: 2019-11-24. Review status: criteria provided, single submitter. Criteria: ACMG Guidelines, 2015. Collection method: clinical testing. Allele origin: germline.

Ambry Genetics
Classification: Likely benign for Familial thoracic aortic aneurysm and aortic dissection. Last evaluated: 2015-09-08. Review status: criteria provided, single submitter. Criteria: Ambry Variant Classification Scheme 2023. Collection method: clinical testing. Allele origin: germline.

GeneDx
Classification: Benign. Last evaluated: 2014-08-20. Review status: criteria provided, single submitter. Criteria: GeneDx Variant Classification (06012015). Collection method: clinical testing. Allele origin: germline. Affected: yes.
Comment: This variant is considered likely benign or benign based on one or more of the following criteria: it is a conservative change, it occurs at a poorly conserved position in the protein, it is predicted to be benign by multiple in silico algorithms, and/or has population frequency not consistent with disease.

NM_003242.6(TGFBR2):c.1125C>T (p.Ile375=)

Gene: TGFBR2 (transforming growth factor beta receptor 2; plus strand). Cytogenetic location: 3p24.1.
Variant type: single nucleotide variant.
Coding change: c.1125C>T on transcript NM_003242.6 (MANE Select); coding-DNA position 1125, C replaced by T.
Protein change: p.Ile375=; no amino-acid change (isoleucine 375 retained).
Molecular consequence: synonymous variant. On other transcripts: intron variant (1).
Genome position (GRCh38, 1-based): chr3:30,672,308, C>T. VCF-style: chr3-30672308-C-T. GRCh37 (hg19) VCF-style: chr3-30713800-C-T.
Other names: p.I375I:ATC>ATT; c.1200C>T, p.Ile400= (NM_001024847.3); c.1308C>T, p.Ile436= (NM_001407126.1); c.1233C>T, p.Ile411= (NM_001407127.1); c.1152C>T, p.Ile384= (NM_001407128.1); c.1128C>T, p.Ile376= (NM_001407129.1); c.1125C>T, p.Ile375= (NM_001407130.1); c.1020C>T, p.Ile340= (NM_001407132.1, NM_001407133.1, NM_001407134.1 and 2 more transcripts); and 3 more.
Identifiers: ClinVar variation 213907 (VCV000213907.15), dbSNP rs751663055, ClinGen allele CA045745.
Genomic context (GRCh38, chr3:30,672,308, plus strand): 5'-CCGGGGGATTGCTCACCTCCACAGTGATCACACTCCATGTGGGAGGCCCAAGATGCCCAT[C>T]GTGCACAGGGACCTCAAGAGCTCCAATATCCTCGTGAAGAACGACCTAACCTGCTGCCTG-3'
Protein context (NP_003233.4, residues 365-385): HTPCGRPKMP[Ile375=]VHRDLKSSNI